The following is an entry in ClinVar:

ClinVar aggregate classification (germline): Pathogenic. Review status: criteria provided, multiple submitters, no conflicts (2 of 4 stars). 2 submissions from 2 submitters: Pathogenic (2). Last evaluated 2023-10-09.

Conditions:
Familial cancer of breast. Also called: hereditary breast carcinoma; BREAST CANCER, FAMILIAL; Hereditary breast cancer. Identifiers: Orphanet 227535, MedGen C0346153, MONDO:0016419, OMIM 114480. Disease mechanism: loss of function.
Fanconi anemia complementation group J. Also called: BRIP1-Related Fanconi Anemia. Identifiers: Orphanet 84, MedGen C1836860, MONDO:0012187, OMIM 609054.
Hereditary cancer-predisposing syndrome. Also called: Hereditary Cancer Syndrome; Hereditary neoplastic syndrome; Tumor predisposition; Neoplastic Syndromes, Hereditary. Identifiers: Orphanet 140162, MedGen C0027672, MeSH D009386, MONDO:0015356.

Submissions (2):

Labcorp Genetics (formerly Invitae), Labcorp
Classification: Pathogenic for Familial cancer of breast; Fanconi anemia complementation group J. Last evaluated: 2023-10-09. Review status: criteria provided, single submitter. Criteria: Invitae Variant Classification Sherloc (09022015). Collection method: clinical testing. Allele origin: germline.
Comment: This sequence change creates a premature translational stop signal (p.Asn119Metfs*38) in the BRIP1 gene. It is expected to result in an absent or disrupted protein product. Loss-of-function variants in BRIP1 are known to be pathogenic (PMID: 16116423, 17033622, 21964575). This variant is not present in population databases (gnomAD no frequency). This variant has not been reported in the literature in individuals affected with BRIP1-related conditions. ClinVar contains an entry for this variant (Variation ID: 1457884). For these reasons, this variant has been classified as Pathogenic.

Ambry Genetics
Classification: Pathogenic for Hereditary cancer-predisposing syndrome. Last evaluated: 2021-03-02. Review status: criteria provided, single submitter. Criteria: Ambry Variant Classification Scheme 2023. Collection method: clinical testing. Allele origin: germline.
Comment: The c.356delA pathogenic mutation, located in coding exon 3 of the BRIP1 gene, results from a deletion of one nucleotide at nucleotide position 356, causing a translational frameshift with a predicted alternate stop codon (p.N119Mfs*38). This alteration is expected to result in loss of function by premature protein truncation or nonsense-mediated mRNA decay. As such, this alteration is interpreted as a disease-causing mutation.

Literature cited by the submitters: PubMed 16116423 (cited by Labcorp Genetics (formerly Invitae), Labcorp); PubMed 17033622 (cited by Labcorp Genetics (formerly Invitae), Labcorp); PubMed 21964575 (cited by Labcorp Genetics (formerly Invitae), Labcorp).

NM_032043.3(BRIP1):c.356del (p.Asn119fs)

Gene: BRIP1 (BRCA1 interacting DNA helicase 1; minus strand). Cytogenetic location: 17q23.2.
Variant type: Deletion.
Coding change: c.356del on transcript NM_032043.3 (MANE Select); coding-DNA position 356, one base deleted (A; older notation c.356delA).
Protein change: p.Asn119fs; shifts the reading frame from asparagine 119.
Molecular consequence: frameshift variant.
Genome position (GRCh38, 1-based): chr17:61,857,081, T deleted on the plus strand (A on the coding strand, the reverse complement: BRIP1 is on the minus strand); the first of 3 consecutive T bases (chr17:61,857,081-61,857,083); deleting any one gives the same sequence. VCF-style (leftmost placement, unchanged base first): chr17-61857080-AT-A. GRCh37 (hg19) VCF-style: chr17-59934441-AT-A.
Other names: short protein forms N119fs.
Identifiers: ClinVar variation 1457884 (VCV001457884.9), dbSNP rs2145826750, ClinGen allele CA2573154323.